The following is an entry in ClinVar:

NM_001375808.2(LPIN2):c.1168+11G>C

Gene: LPIN2 (lipin 2; minus strand). Cytogenetic location: 18p11.31.
Variant type: single nucleotide variant.
Coding change: c.1168+11G>C on transcript NM_001375808.2 (MANE Select); 11 bases into the intron after coding-DNA position 1168, G replaced by C.
Molecular consequence: intron variant.
Genome position (GRCh38, 1-based): chr18:2,937,681, C>G on the plus strand (G>C on the coding strand, the complement: LPIN2 is on the minus strand). VCF-style: chr18-2937681-C-G. GRCh37 (hg19) VCF-style: chr18-2937679-C-G.
Other names: c.1168+11G>C (NM_014646.2, NM_001375809.1).
Identifiers: ClinVar variation 326644 (VCV000326644.26), dbSNP rs79439091, ClinGen allele CA8873192.

ClinVar aggregate classification (germline): Benign/Likely benign. Review status: criteria provided, multiple submitters, no conflicts (2 of 4 stars). 7 submissions from 7 submitters: Benign (6); Likely benign (1). Last evaluated 2026-02-01.

Conditions:
Majeed syndrome (MJDS). Also called: LPIN2-Related Majeed Syndrome; CHRONIC RECURRENT MULTIFOCAL OSTEOMYELITIS 1, WITH CONGENITAL DYSERYTHROPOIETIC ANEMIA, WITH OR WITHOUT NEUTROPHILIC DERMATOSIS. Identifiers: Orphanet 77297, MedGen C1864997, MONDO:0012316, OMIM 609628.

Allele frequency attached by ClinVar (database versions not stated): gnomAD exomes 0.00580; ExAC 0.00748; gnomAD 0.02405 and 0.02576; TOPMed 0.02662; ESP Exome Variant Server 0.02830; 1000 Genomes Project 0.03135; 1000 Genomes Project 30x 0.03232.
gnomAD v4.1: 7,114 of 1,604,574 alleles (0.44%); highest among the groups gnomAD compares: African/African-American, 8.6%; 287 homozygotes.

Submissions (7):

Labcorp Genetics (formerly Invitae), Labcorp
Classification: Benign for Majeed syndrome. Last evaluated: 2026-02-01. Review status: criteria provided, single submitter. Criteria: Invitae Variant Classification Sherloc (09022015). Collection method: clinical testing. Allele origin: germline.

Women's Health and Genetics/Laboratory Corporation of America, LabCorp
Classification: Benign. Last evaluated: 2026-01-22. Review status: criteria provided, single submitter. Criteria: LabCorp Variant Classification Summary - May 2015. Collection method: clinical testing. Allele origin: germline.

Blueprint Genetics
Classification: Likely benign. Last evaluated: 2024-11-25. Review status: criteria provided, single submitter. Criteria: ACMG Guidelines, 2015. Collection method: clinical testing. Allele origin: germline.

ARUP Laboratories, Molecular Genetics and Genomics, ARUP Laboratories
Classification: Benign for Majeed syndrome. Last evaluated: 2024-09-24. Review status: criteria provided, single submitter. Criteria: ARUP Molecular Germline Variant Investigation Process 2024. Collection method: clinical testing. Allele origin: germline.

Illumina Laboratory Services, Illumina
Classification: Benign for Majeed syndrome. Last evaluated: 2018-01-13. Review status: criteria provided, single submitter. Criteria: ICSL Variant Classification Criteria 13 December 2019. Collection method: clinical testing. Allele origin: germline.
Comment: This variant was observed in the ICSL laboratory as part of a predisposition screen in an ostensibly healthy population. It had not been previously curated by ICSL or reported in the Human Gene Mutation Database (HGMD: prior to June 1st, 2018), and was therefore a candidate for classification through an automated scoring system. Utilizing variant allele frequency, disease prevalence and penetrance estimates, and inheritance mode, an automated score was calculated to assess if this variant is too frequent to cause the disease. Based on the score and internal cut-off values, a variant classified as benign is not then subjected to further curation. The score for this variant resulted in a classification of benign for this disease.

GeneDx
Classification: Benign. Last evaluated: 2015-03-03. Review status: criteria provided, single submitter. Criteria: GeneDx Variant Classification Process June 2021. Collection method: clinical testing. Allele origin: germline. Affected: yes.

Breakthrough Genomics
Classification: Benign. Review status: criteria provided, single submitter. Criteria: ACMG Guidelines, 2015. Collection method: not provided. Allele origin: germline. Inheritance: Unknown mechanism. Affected: yes.